The following is an entry in ClinVar:

NM_001142864.4(PIEZO1):c.4479C>G (p.Pro1493=)

Gene: PIEZO1 (piezo type mechanosensitive ion channel component 1 (Er blood group); minus strand). Cytogenetic location: 16q24.3.
Variant type: single nucleotide variant.
Coding change: c.4479C>G on transcript NM_001142864.4 (MANE Select); coding-DNA position 4479, C replaced by G.
Protein change: p.Pro1493=; no amino-acid change (proline 1493 retained).
Molecular consequence: synonymous variant.
Genome position (GRCh38, 1-based): chr16:88,723,111, G>C on the plus strand (C>G on the coding strand, the complement: PIEZO1 is on the minus strand). VCF-style: chr16-88723111-G-C. GRCh37 (hg19) VCF-style: chr16-88789519-G-C.
Other names: p.Pro1493=.
Identifiers: ClinVar variation 4684139 (VCV004684139.1).

ClinVar aggregate classification (germline): Likely benign (1 of 4 stars; one submission).

gnomAD v4.1: 15 of 1,548,432 alleles (0.00097%); highest among the groups gnomAD compares: African/African-American, 0.0068%; no homozygotes.

Submission:

Mayo Clinic Laboratories, Mayo Clinic
Classification: Likely benign. Last evaluated: 2024-12-23. Review status: criteria provided, single submitter. Criteria: ACMG Guidelines, 2015. Collection method: clinical testing. Allele origin: germline. Observed: 1 variant allele.
Comment: BP4, BP7, PM2_supporting